The following is an entry in ClinVar:

ClinVar aggregate classification (germline): Likely benign. Review status: criteria provided, multiple submitters, no conflicts (2 of 4 stars). 3 submissions from 3 submitters: Likely benign (3). Last evaluated 2025-02-13.

Conditions:
Malignant hyperthermia, susceptibility to, 1 (MHS1). Also called: Anesthesia related hyperthermia; Malignant hyperpyrexia; Fulminating hyperpyrexia; Pharmacogenic myopathy; RYR1-Related Malignant Hyperthermia Susceptibility; Malignant hyperthermia suceptibility 1. Identifiers: Orphanet 423, MedGen C2930980, MONDO:0007783, OMIM 145600.
RYR1-related disorder. Also called: RYR1-related disorders; RYR1-related condition. Identifiers: MedGen CN239331.

Allele frequency attached by ClinVar (database versions not stated): ExAC 0.00001; gnomAD exomes 0.00001.
gnomAD v4.1: 7 of 1,613,830 alleles (0.00043%); highest among the groups gnomAD compares: Non-Finnish European, 0.00059%; no homozygotes.

Submissions (3):

Labcorp Genetics (formerly Invitae), Labcorp
Classification: Likely benign for RYR1-related disorder. Last evaluated: 2025-02-13. Review status: criteria provided, single submitter. Criteria: Invitae Variant Classification Sherloc (09022015). Collection method: clinical testing. Allele origin: germline.

All of Us Research Program, National Institutes of Health
Classification: Likely benign for Malignant hyperthermia, susceptibility to, 1. Last evaluated: 2023-09-17. Review status: criteria provided, single submitter. Criteria: ACMG Guidelines, 2015. Collection method: clinical testing. Allele origin: germline. Inheritance: Autosomal dominant inheritance. Observed: 2 variant alleles, 2 heterozygotes.
Comment: This study involves interpretation of variants in research participants for the purpose of population health screening. Participant phenotype was not available at the time of variant classification. Additional details can be found in publication PMID: 35346344, PMCID: PMC8962531

Color Diagnostics, LLC DBA Color Health
Classification: Likely benign for Malignant hyperthermia, susceptibility to, 1. Last evaluated: 2022-12-12. Review status: criteria provided, single submitter. Criteria: ACMG Guidelines, 2015. Collection method: clinical testing. Allele origin: germline.

NM_000540.3(RYR1):c.10456-12G>C

Gene: RYR1 (ryanodine receptor 1; plus strand). Cytogenetic location: 19q13.2.
Variant type: single nucleotide variant.
Coding change: c.10456-12G>C on transcript NM_000540.3 (MANE Select); 12 bases into the intron before coding-DNA position 10456, G replaced by C.
Molecular consequence: intron variant.
Genome position (GRCh38, 1-based): chr19:38,525,320, G>C. VCF-style: chr19-38525320-G-C. GRCh37 (hg19) VCF-style: chr19-39015960-G-C.
Other names: c.10441-12G>C (NM_001042723.2).
Identifiers: ClinVar variation 2892429 (VCV002892429.5), dbSNP rs774192184, ClinGen allele CA053678.
Genomic context (GRCh38, chr19:38,525,320, plus strand): 5'-ATGATGGCCGCGGGTTGGGGCTGAGGCATGGGATTGGGGCTTGGGCTGGTGCTGAGCCCT[G>C]TGTCCCCACAGTCCGGTGGCTCGGACCAGGAACGCACCAAGAAGAAGCGCCGGGGGGACC-3'